The following is an entry in ClinVar:

NM_006231.4(POLE):c.4630G>A (p.Glu1544Lys)

Gene: POLE (DNA polymerase epsilon, catalytic subunit; minus strand). Cytogenetic location: 12q24.33.
Variant type: single nucleotide variant.
Coding change: c.4630G>A on transcript NM_006231.4 (MANE Select); coding-DNA position 4630, G replaced by A.
Protein change: p.Glu1544Lys; replaces glutamic acid 1544 with lysine.
Molecular consequence: missense variant.
Genome position (GRCh38, 1-based): chr12:132,642,918, C>T on the plus strand (G>A on the coding strand, the complement: POLE is on the minus strand). VCF-style: chr12-132642918-C-T. GRCh37 (hg19) VCF-style: chr12-133219504-C-T.
Other names: c.4630G>A (NM_006231.2); short protein forms E1544K.
Identifiers: ClinVar variation 1477086 (VCV001477086.10), dbSNP rs1555222735, ClinGen allele CA387379113.

ClinVar aggregate classification (germline): Uncertain significance. Review status: criteria provided, multiple submitters, no conflicts (2 of 4 stars). 2 submissions from 2 submitters: Uncertain significance (2). Last evaluated 2023-05-19.

Conditions:
Hereditary cancer-predisposing syndrome. Also called: Neoplastic Syndromes, Hereditary; Hereditary Cancer Syndrome; Tumor predisposition; Hereditary neoplastic syndrome. Identifiers: Orphanet 140162, MedGen C0027672, MeSH D009386, MONDO:0015356.

Submissions (2):

Ambry Genetics
Classification: Uncertain significance for Hereditary cancer-predisposing syndrome. Last evaluated: 2023-05-19. Review status: criteria provided, single submitter. Criteria: Ambry Variant Classification Scheme 2023. Collection method: clinical testing. Allele origin: germline.
Comment: The p.E1544K variant (also known as c.4630G>A), located in coding exon 36 of the POLE gene, results from a G to A substitution at nucleotide position 4630. The glutamic acid at codon 1544 is replaced by lysine, an amino acid with similar properties. This amino acid position is conserved. In addition, this alteration is predicted to be tolerated by in silico analysis. Since supporting evidence is limited at this time, the clinical significance of this alteration remains unclear.

Labcorp Genetics (formerly Invitae), Labcorp
Classification: Uncertain significance. Last evaluated: 2023-05-14. Review status: criteria provided, single submitter. Criteria: Invitae Variant Classification Sherloc (09022015). Collection method: clinical testing. Allele origin: germline.
Comment: In summary, the available evidence is currently insufficient to determine the role of this variant in disease. Therefore, it has been classified as a Variant of Uncertain Significance. Advanced modeling of protein sequence and biophysical properties (such as structural, functional, and spatial information, amino acid conservation, physicochemical variation, residue mobility, and thermodynamic stability) performed at Invitae indicates that this missense variant is not expected to disrupt POLE protein function. ClinVar contains an entry for this variant (Variation ID: 1477086). This variant has not been reported in the literature in individuals affected with POLE-related conditions. This variant is not present in population databases (gnomAD no frequency). This sequence change replaces glutamic acid, which is acidic and polar, with lysine, which is basic and polar, at codon 1544 of the POLE protein (p.Glu1544Lys).